The following is an entry in ClinVar:

ClinVar aggregate classification (germline): Uncertain significance (1 of 4 stars; one submission).

Conditions:
Costello syndrome (CSTLO). Also called: FCS SYNDROME; HRAS-Related Costello Syndrome; FACIOCUTANEOSKELETAL SYNDROME. Identifiers: Orphanet 3071, MedGen C0587248, MONDO:0009026, OMIM 218040.

Submission:

Labcorp Genetics (formerly Invitae), Labcorp
Classification: Uncertain significance for Costello syndrome. Last evaluated: 2022-02-20. Review status: criteria provided, single submitter. Criteria: Invitae Variant Classification Sherloc (09022015). Collection method: clinical testing. Allele origin: germline.
Comment: In summary, the available evidence is currently insufficient to determine the role of this variant in disease. Therefore, it has been classified as a Variant of Uncertain Significance. ClinVar contains an entry for this variant (Variation ID: 958564). This variant has not been reported in the literature in individuals affected with HRAS-related conditions. This variant is not present in population databases (gnomAD no frequency). This sequence change creates a premature translational stop signal (p.Glu91*) in the HRAS gene. It is expected to result in an absent or disrupted protein product. However, the current clinical and genetic evidence is not sufficient to establish whether loss-of-function variants in HRAS cause disease.

NM_005343.4(HRAS):c.270dup (p.Glu91Ter)

Genes: HRAS (HRas proto-oncogene, GTPase; minus strand), LRRC56 (leucine rich repeat containing 56; plus strand). Cytogenetic location: 11p15.5.
Variant type: Duplication.
Coding change: c.270dup on transcript NM_005343.4 (MANE Select); coding-DNA position 270, one base duplicated (T; older notation c.270dupT).
Protein change: p.Glu91Ter; replaces glutamic acid 91 with a stop codon.
Molecular consequence: nonsense. On other transcripts: 5 prime UTR variant (1).
Genome position (GRCh38, 1-based): chr11:533,786, A duplicated on the plus strand (T on the coding strand, the reverse complement: HRAS is on the minus strand); the first of 4 consecutive A bases (chr11:533,786-533,789); duplicating any one gives the same sequence. VCF-style (leftmost placement, unchanged base first): chr11-533785-C-CA. GRCh37 (hg19) VCF-style: chr11-533785-C-CA.
Other names: c.270dup, p.Glu91Ter (NM_001130442.3, NM_176795.5); c.-50dup (NM_001318054.2); short protein forms E91*.
Identifiers: ClinVar variation 958564 (VCV000958564.8), dbSNP rs1851272209, ClinGen allele CA1139661726.